The following is an entry in ClinVar:

NM_001384140.1(PCDH15):c.1730G>T (p.Arg577Leu)

Gene: PCDH15 (protocadherin related 15; minus strand). Cytogenetic location: 10q21.1.
Variant type: single nucleotide variant.
Coding change: c.1730G>T on transcript NM_001384140.1 (MANE Select); coding-DNA position 1730, G replaced by T.
Protein change: p.Arg577Leu; replaces arginine 577 with leucine.
Molecular consequence: missense variant.
Genome position (GRCh38, 1-based): chr10:54,153,154, C>A on the plus strand (G>T on the coding strand, the complement: PCDH15 is on the minus strand). VCF-style: chr10-54153154-C-A. GRCh37 (hg19) VCF-style: chr10-55912914-C-A.
Other names: c.1745G>T, p.Arg582Leu (NM_001142763.2, NM_001142771.2); c.1730G>T, p.Arg577Leu (NM_001142764.2, NM_001142765.2, NM_001142766.2 and 6 more transcripts); c.1619G>T, p.Arg540Leu (NM_001142767.2); c.1664G>T, p.Arg555Leu (NM_001142768.2, NM_001142773.2, NM_001354404.2); c.1766G>T, p.Arg589Leu (NM_001142769.4); c.1751G>T, p.Arg584Leu (NM_001354411.2); short protein forms R584L, R555L, R582L, R540L, R577L, R589L.
Identifiers: ClinVar variation 2148398 (VCV002148398.2), dbSNP rs753457449, ClinGen allele CA5506285.
Genomic context (GRCh38, chr10:54,153,154, plus strand): 5'-AATTACCTTCGCTCTGCAGGAGGAGCATTATCCGCTGCTTGGACCGTGAGTGCGTAAGTC[C>A]GCCCGACTATCATTTCCACCCCTGGAGCGATGGTGATAAGCCCTGTTGTTTTATTGATGA-3'
Protein context (NP_001371069.1, residues 567-587): IAPGVEMIVG[Arg577Leu]TYALTVQAAD

ClinVar aggregate classification (germline): Uncertain significance. Review status: criteria provided, multiple submitters, no conflicts (2 of 4 stars). 2 submissions from 2 submitters: Uncertain significance (2). Last evaluated 2022-08-19.

Allele frequency attached by ClinVar (database versions not stated): ExAC 0.00002.
gnomAD v4.1: 6 of 1,613,874 alleles (0.00037%); highest among the groups gnomAD compares: East Asian, 0.0089%; no homozygotes.

Submissions (2):

GeneDx
Classification: Uncertain significance. Last evaluated: 2022-08-19. Review status: criteria provided, single submitter. Criteria: GeneDx Variant Classification Process June 2021. Collection method: clinical testing. Allele origin: germline. Affected: yes.
Comment: In silico analysis supports that this missense variant has a deleterious effect on protein structure/function; Has not been previously published as pathogenic or benign to our knowledge

Labcorp Genetics (formerly Invitae), Labcorp
Classification: Uncertain significance. Last evaluated: 2022-07-02. Review status: criteria provided, single submitter. Criteria: Invitae Variant Classification Sherloc (09022015). Collection method: clinical testing. Allele origin: germline.
Comment: This sequence change replaces arginine, which is basic and polar, with leucine, which is neutral and non-polar, at codon 577 of the PCDH15 protein (p.Arg577Leu). This variant is present in population databases (rs753457449, gnomAD 0.02%). This variant has not been reported in the literature in individuals affected with PCDH15-related conditions. Algorithms developed to predict the effect of missense changes on protein structure and function are either unavailable or do not agree on the potential impact of this missense change (SIFT: "Deleterious"; PolyPhen-2: "Possibly Damaging"; Align-GVGD: "Class C0"). In summary, the available evidence is currently insufficient to determine the role of this variant in disease. Therefore, it has been classified as a Variant of Uncertain Significance.